The following is an entry in ClinVar:

ClinVar aggregate classification (germline): Uncertain significance (1 of 4 stars; one submission).

Conditions:
Familial sleep-related hypermotor epilepsy. Also called: Autosomal Dominant Sleep-Related Hypermotor (Hyperkinetic) Epilepsy. Identifiers: Orphanet 98784, MedGen C3696898, MONDO:0000030.

Submission:

Labcorp Genetics (formerly Invitae), Labcorp
Classification: Uncertain significance. Last evaluated: 2023-01-01. Review status: criteria provided, single submitter. Criteria: Invitae Variant Classification Sherloc (09022015). Collection method: clinical testing. Allele origin: germline.
Comment: In summary, the available evidence is currently insufficient to determine the role of this variant in disease. Therefore, it has been classified as a Variant of Uncertain Significance. Variants that disrupt the consensus splice site are a relatively common cause of aberrant splicing (PMID: 17576681, 9536098). Algorithms developed to predict the effect of sequence changes on RNA splicing suggest that this variant may disrupt the consensus splice site. This variant has not been reported in the literature in individuals affected with CHRNA4-related conditions. This variant is not present in population databases (gnomAD no frequency). This sequence change falls in intron 4 of the CHRNA4 gene. It does not directly change the encoded amino acid sequence of the CHRNA4 protein. It affects a nucleotide within the consensus splice site.

Literature cited by the submitters: PubMed 17576681; PubMed 9536098.

NM_000744.7(CHRNA4):c.383+3G>A

Genes: CHRNA4 (cholinergic receptor nicotinic alpha 4 subunit; minus strand), LOC126863087 (P300/CBP strongly-dependent group 1 enhancer GRCh37_chr20:61986832-61988031; plus strand). Cytogenetic location: 20q13.33.
Variant type: single nucleotide variant.
Coding change: c.383+3G>A on transcript NM_000744.7 (MANE Select); 3 bases into the intron after coding-DNA position 383, G replaced by A.
Molecular consequence: intron variant. On other transcripts: 5 prime UTR variant (1).
Genome position (GRCh38, 1-based): chr20:63,355,972, C>T on the plus strand (G>A on the coding strand, the complement: CHRNA4 is on the minus strand). VCF-style: chr20-63355972-C-T. GRCh37 (hg19) VCF-style: chr20-61987324-C-T.
Other names: c.-161G>A (NM_001256573.2).
Identifiers: ClinVar variation 2825891 (VCV002825891.3), dbSNP rs2516562133, ClinGen allele CA2739277231.